The following is an entry in ClinVar:

NM_052854.4(CREB3L1):c.453C>A (p.Ala151=)

Gene: CREB3L1 (cAMP responsive element binding protein 3 like 1; plus strand). Cytogenetic location: 11p11.2.
Variant type: single nucleotide variant.
Coding change: c.453C>A on transcript NM_052854.4 (MANE Select); coding-DNA position 453, C replaced by A.
Protein change: p.Ala151=; no amino-acid change (alanine 151 retained).
Molecular consequence: synonymous variant.
Genome position (GRCh38, 1-based): chr11:46,307,937, C>A. VCF-style: chr11-46307937-C-A. GRCh37 (hg19) VCF-style: chr11-46329488-C-A.
Identifiers: ClinVar variation 2582893 (VCV002582893.25), dbSNP rs766233746, ClinGen allele CA473861688.

ClinVar aggregate classification (germline): Likely benign (1 of 4 stars; one submission).

Submission:

CeGaT Center for Human Genetics Tuebingen
Classification: Likely benign. Last evaluated: 2024-02-01. Review status: criteria provided, single submitter. Criteria: CeGaT Center For Human Genetics Tuebingen Variant Classification Criteria Version 2. Collection method: clinical testing. Allele origin: germline. Affected: yes. Observed: 2 variant alleles.
Comment: CREB3L1: PM2:Supporting, BP4, BP7